The following is an entry in ClinVar:

NM_139027.6(ADAMTS13):c.3548-2A>C

Gene: ADAMTS13 (ADAM metallopeptidase with thrombospondin type 1 motif 13; plus strand). Cytogenetic location: 9q34.2.
Variant type: single nucleotide variant.
Coding change: c.3548-2A>C on transcript NM_139027.6 (MANE Select); the canonical splice acceptor site of the intron before coding-DNA position 3548, A replaced by C.
Molecular consequence: splice acceptor variant.
Genome position (GRCh38, 1-based): chr9:133,456,541, A>C. VCF-style: chr9-133456541-A-C. GRCh37 (hg19) VCF-style: chr9-136321663-A-C.
Other names: c.3716-2A>C (NM_139025.5); c.3455-2A>C (NM_139026.6).
Identifiers: ClinVar variation 4804250 (VCV004804250.1).
Genomic context (GRCh38, chr9:133,456,541, plus strand): 5'-AGCCACTCCTCTGCTGACCAGGCGTGGGAGTGCTGGACCCTCACTGCCCTGCCGCTTCCT[A>C]GGGGACATGTTGCTGCTTTGGGGCCGGCTCACCTGGAGGAAGATGTGCAGGAAGCTGTTG-3'

ClinVar aggregate classification (germline): Likely pathogenic (1 of 4 stars; one submission).

Submission:

Labcorp Genetics (formerly Invitae), Labcorp
Classification: Likely pathogenic. Last evaluated: 2025-03-30. Review status: criteria provided, single submitter. Criteria: Invitae Variant Classification Sherloc (09022015). Collection method: clinical testing. Allele origin: germline.
Comment: This sequence change affects an acceptor splice site in intron 26 of the ADAMTS13 gene. It is expected to disrupt RNA splicing. Variants that disrupt the donor or acceptor splice site typically lead to a loss of protein function (PMID: 16199547), and loss-of-function variants in ADAMTS13 are known to be pathogenic (PMID: 11586351, 12753286, 21781265). This variant is not present in population databases (gnomAD no frequency). This variant has not been reported in the literature in individuals affected with ADAMTS13-related conditions. Algorithms developed to predict the effect of sequence changes on RNA splicing suggest that this variant may disrupt the consensus splice site. In summary, the currently available evidence indicates that the variant is pathogenic, but additional data are needed to prove that conclusively. Therefore, this variant has been classified as Likely Pathogenic.

Literature cited by the submitters: PubMed 16199547; PubMed 11586351; PubMed 12753286; PubMed 21781265.